The following is an entry in ClinVar:

ClinVar aggregate classification (germline): Uncertain significance (1 of 4 stars; one submission).

Conditions:
Atypical hemolytic-uremic syndrome. Identifiers: Orphanet 2134, MedGen C2931788, MONDO:0016244.

Submission:

Genomenon, Inc
Classification: Uncertain significance for Atypical hemolytic-uremic syndrome. Last evaluated: 2025-09-30. Review status: criteria provided, single submitter. Criteria: Genomenon Sequence Variant Interpretation Standards. Collection method: curation. Allele origin: germline. Affected: yes.
Comment: C3 p.Asp1156Asn (c.3466G>A) is a missense variant that changes the amino acid at residue 1156 from Aspartic acid to Asparagine. This variant has been observed in at least one proband affected with atypical hemolytic-uremic syndrome (PMID:25608561). Functional studies have been reported; however, the significance of the findings remain unclear (PMID:11034390). It is absent or not present at a significant frequency in gnomAD. In conclusion, we classify C3 p.Asp1156Asn (c.3466G>A) as a variant of unknown significance.

Literature cited by the submitters: PubMed 25608561; PubMed 11034390.

NM_000064.4(C3):c.3466G>A (p.Asp1156Asn)

Gene: C3 (complement C3; minus strand). Cytogenetic location: 19p13.3.
Variant type: single nucleotide variant.
Coding change: c.3466G>A on transcript NM_000064.4 (MANE Select); coding-DNA position 3466, G replaced by A.
Protein change: p.Asp1156Asn; replaces aspartic acid 1156 with asparagine.
Molecular consequence: missense variant.
Genome position (GRCh38, 1-based): chr19:6,690,652, C>T on the plus strand (G>A on the coding strand, the complement: C3 is on the minus strand). VCF-style: chr19-6690652-C-T. GRCh37 (hg19) VCF-style: chr19-6690663-C-T.
Other names: short protein forms D1156N.
Identifiers: ClinVar variation 4280210 (VCV004280210.1).